The following is an entry in ClinVar:

ClinVar aggregate classification (germline): Uncertain significance. Review status: criteria provided, multiple submitters, no conflicts (2 of 4 stars). 3 submissions from 3 submitters: Uncertain significance (3). Last evaluated 2025-10-24.

Conditions:
Inborn genetic diseases. Identifiers: MedGen C0950123, MeSH D030342.
Sialic acid storage disease, severe infantile type (ISSD). Also called: INFANTILE SIALIC ACID STORAGE DISORDER; N-ACETYLNEURAMINIC ACID STORAGE DISEASE; NANA STORAGE DISEASE; SIALURIA, INFANTILE FORM; Infantile Sialic Acid Storage Disease; Free sialic acid storage disease, infantile form. Identifiers: Orphanet 309324, Orphanet 834, MedGen C1096902, MONDO:0010027, OMIM 269920.
Salla disease (SD). Also called: Sialuria, Finnish type; N-acetylneuraminic acid (NANA) storage disease (NSD); Infantile sialic acid storage disorder (ISSD); Less Severe FSASD (Salla Disease). Identifiers: Orphanet 309334, Orphanet 834, MedGen C1096903, MONDO:0011449, OMIM 604369.

Allele frequency attached by ClinVar (database versions not stated): ESP Exome Variant Server 0.00008; ExAC 0.00011; gnomAD 0.00011; gnomAD exomes 0.00012.
gnomAD v4.1: 196 of 1,613,998 alleles (0.012%); highest among the groups gnomAD compares: Middle Eastern, 0.033%; no homozygotes.

Submissions (3):

Ambry Genetics
Classification: Uncertain significance for Inborn genetic diseases. Last evaluated: 2025-10-24. Review status: criteria provided, single submitter. Criteria: Ambry Variant Classification Scheme 2023. Collection method: clinical testing. Allele origin: germline.

Fulgent Genetics
Classification: Uncertain significance for Sialic acid storage disease, severe infantile type; Salla disease. Last evaluated: 2024-03-14. Review status: criteria provided, single submitter. Criteria: ACMG Guidelines, 2015. Collection method: clinical testing. Allele origin: germline.

Labcorp Genetics (formerly Invitae), Labcorp
Classification: Uncertain significance for Salla disease. Last evaluated: 2022-10-13. Review status: criteria provided, single submitter. Criteria: Invitae Variant Classification Sherloc (09022015). Collection method: clinical testing. Allele origin: germline.
Comment: This sequence change replaces isoleucine, which is neutral and non-polar, with threonine, which is neutral and polar, at codon 417 of the SLC17A5 protein (p.Ile417Thr). This variant is present in population databases (rs201543957, gnomAD 0.02%). This variant has not been reported in the literature in individuals affected with SLC17A5-related conditions. Advanced modeling of protein sequence and biophysical properties (such as structural, functional, and spatial information, amino acid conservation, physicochemical variation, residue mobility, and thermodynamic stability) performed at Invitae indicates that this missense variant is expected to disrupt SLC17A5 protein function. In summary, the available evidence is currently insufficient to determine the role of this variant in disease. Therefore, it has been classified as a Variant of Uncertain Significance.

NM_012434.5(SLC17A5):c.1250T>C (p.Ile417Thr)

Gene: SLC17A5 (solute carrier family 17 member 5; minus strand). Cytogenetic location: 6q13.
Variant type: single nucleotide variant.
Coding change: c.1250T>C on transcript NM_012434.5 (MANE Select); coding-DNA position 1250, T replaced by C.
Protein change: p.Ile417Thr; replaces isoleucine 417 with threonine.
Molecular consequence: missense variant.
Genome position (GRCh38, 1-based): chr6:73,610,409, A>G on the plus strand (T>C on the coding strand, the complement: SLC17A5 is on the minus strand). VCF-style: chr6-73610409-A-G. GRCh37 (hg19) VCF-style: chr6-74320132-A-G.
Other names: c.1250T>C (NM_012434.4); c.1019T>C, p.Ile340Thr (NM_001382629.1); c.1250T>C, p.Ile417Thr (NM_001382630.1, NM_001382633.1); c.1271T>C, p.Ile424Thr (NM_001382631.1); c.1163T>C, p.Ile388Thr (NM_001382632.1); c.1091T>C, p.Ile364Thr (NM_001382634.1); c.1247T>C, p.Ile416Thr (NM_001382635.1); c.932T>C, p.Ile311Thr (NM_001382636.1); short protein forms I340T, I416T, I388T, I417T, I424T, I311T, I364T.
Identifiers: ClinVar variation 2067923 (VCV002067923.6), dbSNP rs201543957, ClinGen allele CA3890318.
Genomic context (GRCh38, chr6:73,610,409, plus strand): 5'-TAAAAATATAATTTAAAGTCAATCACAGCAAATCTTTATATTAGTACTCACGAAGGAGCA[A>G]TATCCAGATGGTTGATGCTAAATCCAGAAGAGCAAAAGCCTCCCAGTGTTGTTGATATAG-3'
Protein context (NP_036566.1, residues 407-427): SSGFSINHLD[Ile417Thr]APSYAGILLG